The following is an entry in ClinVar:

ClinVar aggregate classification (germline): Pathogenic (1 of 4 stars; one submission).

Submission:

CeGaT Center for Human Genetics Tuebingen
Classification: Pathogenic. Last evaluated: 2023-04-01. Review status: criteria provided, single submitter. Criteria: CeGaT Center For Human Genetics Tuebingen Variant Classification Criteria Version 2. Collection method: clinical testing. Allele origin: germline. Affected: yes. Observed: 1 variant allele.
Comment: CUL3: PVS1, PM2

NM_003590.5(CUL3):c.1894C>T (p.Gln632Ter)

Gene: CUL3 (cullin 3; minus strand). Cytogenetic location: 2q36.2.
Variant type: single nucleotide variant.
Coding change: c.1894C>T on transcript NM_003590.5 (MANE Select); coding-DNA position 1894, C replaced by T.
Protein change: p.Gln632Ter; replaces glutamine 632 with a stop codon.
Molecular consequence: nonsense.
Genome position (GRCh38, 1-based): chr2:224,482,027, G>A on the plus strand (C>T on the coding strand, the complement: CUL3 is on the minus strand). VCF-style: chr2-224482027-G-A. GRCh37 (hg19) VCF-style: chr2-225346744-G-A.
Other names: c.1696C>T, p.Gln566Ter (NM_001257197.2); c.1912C>T, p.Gln638Ter (NM_001257198.2); short protein forms Q566*, Q632*, Q638*.
Identifiers: ClinVar variation 2571122 (VCV002571122.27), dbSNP rs2106152180, ClinGen allele CA350822891.
Genomic context (GRCh38, chr2:224,482,027, plus strand): 5'-CCTTTGATTTGGGTTCTTTTGTAAGAACCCGCTGTGTTGGTTTACCACAGGCGAGGGACT[G>A]TAGGGCTCTAACAAGCTCTCTTTCAGGGATATCTGTCTCTTGCTGAATTTCCTGAAATTT-3'